The following is an entry in ClinVar:

NM_153704.6(TMEM67):c.2439+5G>C

Gene: TMEM67 (transmembrane protein 67; plus strand). Cytogenetic location: 8q22.1.
Variant type: single nucleotide variant.
Coding change: c.2439+5G>C on transcript NM_153704.6 (MANE Select); 5 bases into the intron after coding-DNA position 2439, G replaced by C.
Molecular consequence: intron variant.
Genome position (GRCh38, 1-based): chr8:93,804,883, G>C. VCF-style: chr8-93804883-G-C. GRCh37 (hg19) VCF-style: chr8-94817111-G-C.
Other names: IVS23+5G-C; c.2196+5G>C (NM_001142301.1).
Identifiers: ClinVar variation 1372 (VCV000001372.6), dbSNP rs756686115, ClinGen allele CA4808296.

ClinVar aggregate classification (germline): Pathogenic. Review status: criteria provided, single submitter (1 of 4 stars). 2 submissions from 2 submitters: Pathogenic (1). 1 of the submissions does not count toward it. Last evaluated 2022-10-27.

Conditions:
Joubert syndrome. Also called: CEREBELLOPARENCHYMAL DISORDER IV; JOUBERT-BOLTSHAUSER SYNDROME; Familial aplasia of the vermis. Identifiers: Orphanet 475, MedGen C5979921, MONDO:0018772.
Meckel-Gruber syndrome. Also called: DYSENCEPHALIA SPLANCHNOCYSTICA; Dysencephalia splachnocystica; GRUBER SYNDROME. Identifiers: Orphanet 564, MedGen C0265215, MONDO:0018921.
Joubert syndrome 6 (JBTS6). Identifiers: Orphanet 475, MedGen C1853153, MONDO:0012539, OMIM 610688.

Allele frequency attached by ClinVar (database versions not stated): gnomAD exomes below 0.00001; ExAC 0.00001; gnomAD 0.00001.
gnomAD v4.1: 2 of 1,481,976 alleles (0.00013%); highest among the groups gnomAD compares: Admixed American, 0.0017%; no homozygotes.

Submissions (2):

Labcorp Genetics (formerly Invitae), Labcorp
Classification: Pathogenic for Joubert syndrome; Meckel-Gruber syndrome. Last evaluated: 2022-10-27. Review status: criteria provided, single submitter. Criteria: Invitae Variant Classification Sherloc (09022015). Collection method: clinical testing. Allele origin: germline.
Comment: For these reasons, this variant has been classified as Pathogenic. Variants that disrupt the consensus splice site are a relatively common cause of aberrant splicing (PMID: 17576681, 9536098). Studies have shown that this variant results in skipping of exon 23, but is expected to preserve the integrity of the reading-frame (PMID: 17160906). ClinVar contains an entry for this variant (Variation ID: 1372). This variant is also known as IVS23+5G>C. This variant has been observed in individual(s) with Joubert syndrome (PMID: 17160906, 32404165). This variant is present in population databases (rs756686115, gnomAD 0.003%). This sequence change falls in intron 23 of the TMEM67 gene. It does not directly change the encoded amino acid sequence of the TMEM67 protein. RNA analysis indicates that this variant induces altered splicing and likely results in a shortened protein product.

OMIM
Classification: Pathogenic for JOUBERT SYNDROME 6. Last evaluated: 2007-01-01. Review status: no assertion criteria provided. Collection method: literature only. Allele origin: germline. Not counted in ClinVar's aggregate classification.

Literature cited by the submitters: PubMed 17576681 (cited by Labcorp Genetics (formerly Invitae), Labcorp); PubMed 9536098 (cited by Labcorp Genetics (formerly Invitae), Labcorp); PubMed 17160906 (cited by Labcorp Genetics (formerly Invitae), Labcorp and OMIM); PubMed 32404165 (cited by Labcorp Genetics (formerly Invitae), Labcorp); PubMed 16541367 (cited by OMIM).